The following is an entry in ClinVar:

ClinVar aggregate classification (germline): Uncertain significance (1 of 4 stars; one submission).

Allele frequency attached by ClinVar (database versions not stated): TOPMed 0.00001; gnomAD 0.00002.
gnomAD v4.1: 12 of 1,612,638 alleles (0.00074%); highest among the groups gnomAD compares: Non-Finnish European, 0.001%; no homozygotes.

Submission:

Labcorp Genetics (formerly Invitae), Labcorp
Classification: Uncertain significance. Last evaluated: 2025-11-10. Review status: criteria provided, single submitter. Criteria: Invitae Variant Classification Sherloc (09022015). Collection method: clinical testing. Allele origin: germline.
Comment: This sequence change replaces proline, which is neutral and non-polar, with alanine, which is neutral and non-polar, at codon 19 of the IKZF1 protein (p.Pro19Ala). This variant is not present in population databases (gnomAD no frequency). This variant has not been reported in the literature in individuals affected with IKZF1-related conditions. ClinVar contains an entry for this variant (Variation ID: 2881947). An algorithm developed to predict the effect of missense changes on protein structure and function outputs the following: PolyPhen-2: "Benign". The alanine amino acid residue is found in multiple mammalian species, which suggests that this missense change does not adversely affect protein function. In summary, the available evidence is currently insufficient to determine the role of this variant in disease. Therefore, it has been classified as a Variant of Uncertain Significance.

NM_006060.6(IKZF1):c.55C>G (p.Pro19Ala)

Gene: IKZF1 (IKAROS family zinc finger 1; plus strand). Cytogenetic location: 7p12.2.
Variant type: single nucleotide variant.
Coding change: c.55C>G on transcript NM_006060.6 (MANE Select); coding-DNA position 55, C replaced by G.
Protein change: p.Pro19Ala; replaces proline 19 with alanine.
Molecular consequence: missense variant.
Genome position (GRCh38, 1-based): chr7:50,327,652, C>G. VCF-style: chr7-50327652-C-G. GRCh37 (hg19) VCF-style: chr7-50367248-C-G.
Other names: c.55C>G, p.Pro19Ala (NM_001220768.2, NM_001220770.2, NM_001220771.2 and 14 more transcripts); short protein forms P19A.
Identifiers: ClinVar variation 2881947 (VCV002881947.3), dbSNP rs931548912, ClinGen allele CA367569308.
Genomic context (GRCh38, chr7:50,327,652, plus strand): 5'-CCTTGACCATGACCGCCCGAGACTCACACTTCTTCTTTCTCATCAGGGAAGGAAAGCCCC[C>G]CTGTAAGCGATACTCCAGATGAGGGCGATGAGCCCATGCCGATCCCCGAGGACCTCTCCA-3'
Protein context (NP_006051.1, residues 9-29): MSQVSGKESP[Pro19Ala]VSDTPDEGDE